The following is an entry in ClinVar:

NM_007294.4(BRCA1):c.231G>C (p.Thr77=)

Gene: BRCA1 (BRCA1 DNA repair associated; minus strand). Cytogenetic location: 17q21.31.
Variant type: single nucleotide variant.
Coding change: c.231G>C on transcript NM_007294.4 (MANE Select); coding-DNA position 231, G replaced by C.
Protein change: p.Thr77=; no amino-acid change (threonine 77 retained).
Molecular consequence: synonymous variant. On other transcripts: 5 prime UTR variant (7), intron variant (2).
Genome position (GRCh38, 1-based): chr17:43,104,938, C>G on the plus strand (G>C on the coding strand, the complement: BRCA1 is on the minus strand). VCF-style: chr17-43104938-C-G. GRCh37 (hg19) VCF-style: chr17-41256955-C-G.
Other names: c.21G>C, p.Thr7= (NM_001407887.1, NM_001407889.1, NM_001407894.1 and 58 more transcripts); c.231G>C, p.Thr77= (NM_001407919.1, NM_001407937.1, NM_001407938.1 and 168 more transcripts); c.90G>C, p.Thr30= (NM_001407920.1, NM_001407921.1, NM_001407922.1 and 99 more transcripts); c.-151G>C (NM_001407959.1, NM_001407960.1, NM_001407962.1 and 4 more transcripts); c.153G>C, p.Thr51= (NM_001408409.1, NM_001408411.1, NM_001408412.1 and 21 more transcripts); c.99G>C, p.Thr33= (NM_001408451.1); c.-218-10078G>C (NM_001407967.1, NM_001407966.1).
Identifiers: ClinVar variation 141303 (VCV000141303.9), dbSNP rs80356847, ClinGen allele CA001547.
Genomic context (GRCh38, chr17:43,104,938, plus strand): 5'-TGTGTCAAGCTGAAAAGCACAAATGATTTTCAATAGCTCTTCAACAAGTTGACTAAATCT[C>G]GTACTTTCTTGTAGGCTCCTGAAATTAAATTGTTTGAGAAACACACTCAGCAAGTGATTA-3'
Protein context (NP_009225.1, residues 67-87): DITKRSLQES[Thr77=]RFSQLVEELL

ClinVar aggregate classification (germline): Likely benign. Review status: reviewed by expert panel (3 of 4 stars). 2 submissions from 2 submitters: Likely benign (1). 1 of the submissions does not count toward it. Last evaluated 2017-06-29.

Conditions:
Hereditary cancer-predisposing syndrome. Also called: Tumor predisposition; Hereditary neoplastic syndrome; Hereditary Cancer Syndrome; Neoplastic Syndromes, Hereditary. Identifiers: Orphanet 140162, MedGen C0027672, MeSH D009386, MONDO:0015356.
Breast-ovarian cancer, familial, susceptibility to, 1 (BROVCA1). Also called: BRCA1 Hereditary Breast and Ovarian Cancer; OVARIAN CANCER, SUSCEPTIBILITY TO. Identifiers: Orphanet 145, MedGen C2676676, MONDO:0011450, OMIM 604370. Disease mechanism: loss of function.

Submissions (3):

Evidence-based Network for the Interpretation of Germline Mutant Alleles (ENIGMA)
Classification: Likely benign for Breast-ovarian cancer, familial, susceptibility to, 1. Last evaluated: 2017-06-29. Review status: reviewed by expert panel. Criteria: ENIGMA BRCA1/2 Classification Criteria (2017-06-29). Collection method: curation. Allele origin: germline.
Comment: Synonymous substitution variant, with low bioinformatic likelihood to result in a splicing aberration (Splicing prior probability 0.02).

Ambry Genetics
Classification: Benign for Hereditary cancer-predisposing syndrome. Last evaluated: 2026-02-19. Review status: criteria provided, single submitter. Criteria: Ambry Variant Classification Scheme 2023. Collection method: clinical testing. Allele origin: germline. Not counted in ClinVar's aggregate classification.

Brotman Baty Institute, University of Washington
No classification provided (evidence only). Condition: Breast-ovarian cancer, familial 1. Review status: no classification provided. Collection method: in vitro. Allele origin: not applicable. Functional consequence: functionally_normal. Not counted in ClinVar's aggregate classification.
ClinVar note: "not provided" was previously submitted as the classification for the variant. However, the classification appeared to be based only on an observation of functional data so it was converted to no classification on 2025-07-30.

Literature cited by the submitters: PubMed 30209399 (cited by Ambry Genetics).